The following is an entry in ClinVar:

NM_207361.6(FREM2):c.8176+2dup

Gene: FREM2 (FRAS1 related extracellular matrix 2; plus strand). Cytogenetic location: 13q13.3.
Variant type: Duplication.
Coding change: c.8176+2dup on transcript NM_207361.6 (MANE Select); the canonical splice donor site of the intron after coding-DNA position 8176, one base duplicated (T; older notation c.8176+2dupT).
Molecular consequence: splice donor variant.
Genome position (GRCh38, 1-based): chr13:38,872,936, T duplicated. VCF-style (leftmost placement, unchanged base first): chr13-38872935-G-GT. GRCh37 (hg19) VCF-style: chr13-39447072-G-GT.
Other names: c.8176+2dupT (NM_207361.5).
Identifiers: ClinVar variation 1179176 (VCV001179176.8), dbSNP rs779126010, ClinGen allele CA6956052.
Genomic context (GRCh38, chr13:38,872,935, plus strand): 5'-ACGACACCGCCATCTTGTGGAATGATGGAATTGGCAGCCCCCCAGAGGCTGAACTTCAAG[G>GT]TGAGTTCAGAAGACTTGGAAAATTCTATAGTTTTGTAACCTATTTAAACTATTTAAGACG-3'

ClinVar aggregate classification (germline): Conflicting classifications of pathogenicity. Review status: criteria provided, conflicting classifications (1 of 4 stars). 4 submissions from 4 submitters: Likely pathogenic (3); Uncertain significance (1). Last evaluated 2022-09-12.

Conditions:
Isolated cryptophthalmia. Also called: Cryptophthalmos, unilateral or bilateral, isolated; ANKYLOBLEPHARON, SIMPLE. Identifiers: Orphanet 91396, MedGen C1852453, MONDO:0007410, OMIM 123570.
Fraser syndrome 2 (FRASRS2). Identifiers: MedGen C4540036, MONDO:0054738, OMIM 617666.
Fraser syndrome 1 (FRASRS1). Also called: CRYPTOPHTHALMOS WITH OTHER MALFORMATIONS. Identifiers: Orphanet 2052, MedGen C4551480, MONDO:0054737, OMIM 219000.

Allele frequency attached by ClinVar (database versions not stated): gnomAD 0.00001 and 0.00003; gnomAD exomes 0.00001 and 0.00002; ExAC 0.00003; TOPMed 0.00005; ESP Exome Variant Server 0.00016.

Submissions (4):

Revvity Omics, Revvity
Classification: Likely pathogenic. Last evaluated: 2022-09-12. Review status: criteria provided, single submitter. Criteria: ACMG Guidelines, 2015. Collection method: clinical testing. Allele origin: germline.

Labcorp Genetics (formerly Invitae), Labcorp
Classification: Uncertain significance. Last evaluated: 2022-07-11. Review status: criteria provided, single submitter. Criteria: Invitae Variant Classification Sherloc (09022015). Collection method: clinical testing. Allele origin: germline.
Comment: This sequence change falls in intron 17 of the FREM2 gene. It does not directly change the encoded amino acid sequence of the FREM2 protein. It affects a nucleotide within the consensus splice site. This variant is present in population databases (rs779126010, gnomAD 0.007%). This variant has not been reported in the literature in individuals affected with FREM2-related conditions. ClinVar contains an entry for this variant (Variation ID: 1179176). Variants that disrupt the consensus splice site are a relatively common cause of aberrant splicing (PMID: 17576681, 9536098). Algorithms developed to predict the effect of sequence changes on RNA splicing suggest that this variant is not likely to affect RNA splicing. In summary, the available evidence is currently insufficient to determine the role of this variant in disease. Therefore, it has been classified as a Variant of Uncertain Significance.

Women's Health and Genetics/Laboratory Corporation of America, LabCorp
Classification: Likely pathogenic for Fraser syndrome 1. Last evaluated: 2022-03-28. Review status: criteria provided, single submitter. Criteria: LabCorp Variant Classification Summary - May 2015. Collection method: clinical testing. Allele origin: germline.
Comment: Variant summary: FREM2 c.8176+2dupT alters a conserved nucleotide located close to a canonical splice site and therefore could affect mRNA splicing, leading to a significantly altered protein sequence. Several computational tools predict a significant impact on normal splicing: Three predict the variant abolishes a 5' splicing donor site. One predict the variant weakens a 5' donor site. However, these predictions have yet to be confirmed by functional studies. The variant allele was found at a frequency of 2e-05 in 250078 control chromosomes (gnomAD). The available data on variant occurrences in the general population are insufficient to allow any conclusion about variant significance. To our knowledge, no occurrence of c.8176+2dupT in individuals affected with Cryptophthalmos Syndrome and no experimental evidence demonstrating its impact on protein function have been reported. Other splice site variants have been reported in association with Fraser syndrome (HGMD). One clinical diagnostic laboratory has submitted clinical-significance assessments for this variant to ClinVar after 2014 without evidence for independent evaluation. One laboratory classified the variant as likely pathogenic. Based on the evidence outlined above, the variant was classified as likely pathogenic.

Fulgent Genetics
Classification: Likely pathogenic for Isolated cryptophthalmia; Fraser syndrome 2. Last evaluated: 2021-06-30. Review status: criteria provided, single submitter. Criteria: ACMG Guidelines, 2015. Collection method: clinical testing. Allele origin: unknown.
Comment: This variant has been detected in individual(s) who were sent for testing of Renasight - kidney gene panel.

Literature cited by the submitters: PubMed 17576681 (cited by Labcorp Genetics (formerly Invitae), Labcorp); PubMed 9536098 (cited by Labcorp Genetics (formerly Invitae), Labcorp).